The following is an entry in ClinVar:

NM_000214.3(JAG1):c.866G>A (p.Gly289Asp)

Gene: JAG1 (jagged canonical Notch ligand 1; minus strand). Cytogenetic location: 20p12.2.
Variant type: single nucleotide variant.
Coding change: c.866G>A on transcript NM_000214.3 (MANE Select); coding-DNA position 866, G replaced by A.
Protein change: p.Gly289Asp; replaces glycine 289 with aspartic acid.
Molecular consequence: missense variant.
Genome position (GRCh38, 1-based): chr20:10,652,488, C>T on the plus strand (G>A on the coding strand, the complement: JAG1 is on the minus strand). VCF-style: chr20-10652488-C-T. GRCh37 (hg19) VCF-style: chr20-10633136-C-T.
Other names: short protein forms G289D.
Identifiers: ClinVar variation 2130010 (VCV002130010.4), dbSNP rs2122615016, ClinGen allele CA408239236.
Genomic context (GRCh38, chr20:10,652,488, plus strand): 5'-CCCCAGATCCCACCCTGGGTCTCATCCCTAAGGGCCATACCTTTGTCACAGAGCTGGCCG[C>T]CCCAGTTGGTCTCACAGAGGCACTGCCAGGGCTCATTACAGATGCCGTGGACGCATCCCG-3'
Protein context (NP_000205.1, residues 279-299): PWQCLCETNW[Gly289Asp]GQLCDKDLNY

ClinVar aggregate classification (germline): Uncertain significance (1 of 4 stars; one submission).

Conditions:
Alagille syndrome due to a JAG1 point mutation. Also called: HEPATIC DUCTULAR HYPOPLASIA, SYNDROMATIC; JAG1-Related Alagille Syndrome; Alagille Syndrome 1. Identifiers: Orphanet 261619, Orphanet 52, MedGen C1956125, MONDO:0016862, OMIM 118450.

Submission:

Labcorp Genetics (formerly Invitae), Labcorp
Classification: Uncertain significance for Alagille syndrome due to a JAG1 point mutation. Last evaluated: 2022-04-24. Review status: criteria provided, single submitter. Criteria: Invitae Variant Classification Sherloc (09022015). Collection method: clinical testing. Allele origin: germline.
Comment: This sequence change replaces glycine, which is neutral and non-polar, with aspartic acid, which is acidic and polar, at codon 289 of the JAG1 protein (p.Gly289Asp). This variant is not present in population databases (gnomAD no frequency). This variant has not been reported in the literature in individuals affected with JAG1-related conditions. Advanced modeling of protein sequence and biophysical properties (such as structural, functional, and spatial information, amino acid conservation, physicochemical variation, residue mobility, and thermodynamic stability) performed at Invitae indicates that this missense variant is expected to disrupt JAG1 protein function. Experimental studies have shown that this missense change affects JAG1 function (PMID: 11259677). In summary, the available evidence is currently insufficient to determine the role of this variant in disease. Therefore, it has been classified as a Variant of Uncertain Significance.

Literature cited by the submitters: PubMed 11259677.